The following is an entry in ClinVar:

NM_000402.4(G6PD):c.482G>T (p.Gly161Val)

Gene: G6PD (glucose-6-phosphate dehydrogenase; minus strand). Cytogenetic location: Xq28.
Variant type: single nucleotide variant.
Coding change: c.482G>T on transcript NM_000402.4; coding-DNA position 482, G replaced by T.
Protein change: p.Gly161Val; replaces glycine 161 with valine.
Molecular consequence: missense variant.
Genome position (GRCh38, 1-based): chrX:154,535,261, C>A on the plus strand (G>T on the coding strand, the complement: G6PD is on the minus strand). VCF-style: chrX-154535261-C-A. GRCh37 (hg19) VCF-style: chrX-153763476-C-A.
Other names: G6PD, GLY131VAL; G6PD Chinese-4; G6PD Quing Yan; G6PD Quing Yuan; c.392G>T, p.Gly131Val (NM_001042351.3, NM_001360016.2); short protein forms G131V, G161V.
Identifiers: ClinVar variation 10404 (VCV000010404.35), dbSNP rs137852341, ClinGen allele CA121025.

ClinVar aggregate classification (germline): Pathogenic/Likely pathogenic. Review status: criteria provided, multiple submitters, no conflicts (2 of 4 stars). 11 submissions from 11 submitters: Pathogenic (8); Likely pathogenic (2). 1 of the submissions does not count toward it. Last evaluated 2025-12-16.

Conditions:
G6PD-related disorders.
Malaria, susceptibility to. Identifiers: Orphanet 673, MedGen C1970028, MONDO:0021024, OMIM 611162.
Anemia, nonspherocytic hemolytic, due to G6PD deficiency (CNSHA1). Also called: Class I glucose-6-phosphate dehydrogenase deficiency; Favism, susceptibility to; ANEMIA, CONGENITAL, NONSPHEROCYTIC HEMOLYTIC, 1; Hemolytic anemia due to G6PD deficiency. Identifiers: Orphanet 466026, MedGen C2720289, MONDO:0010480, OMIM 300908.
G6PD QUING YUAN.

Allele frequency attached by ClinVar (database versions not stated): TOPMed 0.00006; 1000 Genomes Project 30x 0.00021; 1000 Genomes Project 0.00026.
gnomAD v4.1: 23 of 1,210,297 alleles (0.0019%); highest among the groups gnomAD compares: East Asian, 0.062%; no homozygotes.

Submissions (13):

Labcorp Genetics (formerly Invitae), Labcorp
Classification: Pathogenic for Anemia, nonspherocytic hemolytic, due to G6PD deficiency. Last evaluated: 2025-12-16. Review status: criteria provided, single submitter. Criteria: Invitae Variant Classification Sherloc (09022015). Collection method: clinical testing. Allele origin: germline.
Comment: This sequence change replaces glycine, which is neutral and non-polar, with valine, which is neutral and non-polar, at codon 131 of the G6PD protein (p.Gly131Val). This variant is present in population databases (rs137852341, gnomAD 0.1%), and has an allele count higher than expected for a pathogenic variant. This missense change has been observed in individual(s) with G6PD deficiency (PMID: 11243133, 11400791, 25775246). It is commonly reported in individuals of South East Asian ancestry (PMID: 11243133, 11400791, 25775246). This variant is also known as the Quing Yuan or Chinese-4 variant. ClinVar contains an entry for this variant (Variation ID: 10404). Invitae Evidence Modeling of protein sequence and biophysical properties (such as structural, functional, and spatial information, amino acid conservation, physicochemical variation, residue mobility, and thermodynamic stability) indicates that this missense variant is expected to disrupt G6PD protein function with a positive predictive value of 95%. For these reasons, this variant has been classified as Pathogenic.

GeneDx
Classification: Pathogenic. Last evaluated: 2025-05-30. Review status: criteria provided, single submitter. Criteria: GeneDx Variant Classification Process June 2021. Collection method: clinical testing. Allele origin: germline. Affected: yes.
Comment: In silico analysis supports that this missense variant has a deleterious effect on protein structure/function; This variant is associated with the following publications: (PMID: 16607506, 32552971, 36681081, 36212142, 29251006, 28376293, 8364584, 40313950, 34551338, 30045279, 35840819, 31863082, 31489982, 25775246, 15727905, 30077011, 25536053, 16329560, 40078033, 29339739, 34659341)

ARUP Laboratories, Molecular Genetics and Genomics, ARUP Laboratories
Classification: Pathogenic. Last evaluated: 2025-05-23. Review status: criteria provided, single submitter. Criteria: ARUP Molecular Germline Variant Investigation Process 2024. Collection method: clinical testing. Allele origin: germline.
Comment: The G6PD c.392G>T; p.Gly131Val variant (rs137852341, ClinVar Variation ID: 10404), also known as G6PD Chinese-4, is reported in the literature in several individuals affected with glucose-6-phosphate dehydrogenase (G6PD) deficiency (Chiu 1993, Peng 2015). This variant is found in the East Asian population with an allele frequency of 0.10% (15/14841 alleles, including 3 hemizygotes) in the Genome Aggregation Database (v2.1.1). Computational analyses predict that this variant is deleterious (REVEL: 0.855). This is a class III pathogenic variant associated with a mild to moderate decrease in enzyme activity (Chiu 1993, Fu 2018, Geck 2023). Based on available information, this variant is considered to be pathogenic. REFERENCES Chiu et al. Molecular characterization of glucose-6-phosphate dehydrogenase (G6PD) deficiency in patients of Chinese descent and identification of new base substitutions in the human G6PD gene. 1993. Blood. 81(8):2150-4. PMID: 8471773 Fu et al. Newborn screening of glucose-6-phosphate dehydrogenase deficiency in Guangxi, China: determination of optimal cutoff value to identify heterozygous female neonates. Sci Rep. 2018 Jan 16;8(1):833. PMID: 29339739. Geck et al. Functional interpretation, cataloging, and analysis of 1,341 glucose-6-phosphate dehydrogenase variants. Am J Hum Genet. 2023 Feb 2;110(2):228-239. PMID: 36681081 Peng et al. Large cohort screening of G6PD deficiency and the mutational spectrum in the Dongguan District in Southern China. PLoS One. 2015 Mar 16;10(3):e0120683. PMID: 25775246

Revvity Omics, Revvity
Classification: Pathogenic for Anemia, nonspherocytic hemolytic, due to G6PD deficiency. Last evaluated: 2024-10-08. Review status: criteria provided, single submitter. Criteria: ACMG Guidelines, 2015. Collection method: clinical testing. Allele origin: germline.

Baylor Genetics
Classification: Likely pathogenic for Malaria, susceptibility to. Last evaluated: 2024-03-30. Review status: criteria provided, single submitter. Criteria: ACMG Guidelines, 2015. Collection method: clinical testing. Allele origin: unknown.

Blueprint Genetics
Classification: Pathogenic for G6PD-related disorders. Last evaluated: 2023-07-12. Review status: criteria provided, single submitter. Criteria: ACMG Guidelines, 2015. Collection method: clinical testing. Allele origin: germline. Affected: yes. Observed: 5 variant alleles.

Dunham Lab, University of Washington
Classification: Pathogenic for Anemia, nonspherocytic hemolytic, due to G6PD deficiency. Last evaluated: 2022-08-12. Review status: criteria provided, single submitter. Criteria: Bayesian ACMG Guidelines, 2018. Collection method: curation. Allele origin: unknown. Affected: yes.
Comment: Variant found in unrelated hemizygotes with G6PD deficiency, some with anemia (PP4, PS4_M). Decreased activity in red blood cells of hemizygotes (0-49%) (PS3). Predicted to be deleterious by REVEL and probably damaging by PolyPhen (PP3). Below expected carrier frequency in gnomAD (PM2). Post_P 0.994 (odds of pathogenicity 1517, Prior_P 0.1).

Mendelics
Classification: Pathogenic for Anemia, nonspherocytic hemolytic, due to G6PD deficiency. Last evaluated: 2022-05-27. Review status: criteria provided, single submitter. Criteria: Mendelics Assertion Criteria 2017. Collection method: clinical testing. Allele origin: unknown.

Fulgent Genetics
Classification: Pathogenic for Anemia, nonspherocytic hemolytic, due to G6PD deficiency; Malaria, susceptibility to. Last evaluated: 2021-07-24. Review status: criteria provided, single submitter. Criteria: ACMG Guidelines, 2015. Collection method: clinical testing. Allele origin: unknown.

Juno Genomics, Hangzhou Juno Genomics, Inc
Classification: Likely pathogenic for Anemia, nonspherocytic hemolytic, due to G6PD deficiency; Malaria, susceptibility to. Review status: criteria provided, single submitter. Criteria: ACMG Guidelines, 2015. Collection method: clinical testing. Allele origin: germline.
Comment: The prevalence of the variant in affected individuals is significantly increased compared to the prevalence in controls.;Patient's phenotype or family history is highly specific for a disease with a single genetic etiology.;Well-established in vitro or in vivo functional studies supportive of a damaging effect on the gene or gene product.

OMIM
Classification: other for G6PD QUING YUAN. Last evaluated: 2013-04-18. Review status: no assertion criteria provided. Collection method: literature only. Allele origin: germline. Not counted in ClinVar's aggregate classification.

Dr. Peter K. Rogan Lab, Western University
No classification provided (evidence only). Condition: Familial cancer of breast. Review status: no classification provided. Collection method: in vitro. Allele origin: not applicable. Functional consequence: retained intron. Not counted in ClinVar's aggregate classification.

Dr. Peter K. Rogan Lab, Western University
No classification provided (evidence only). Condition: Thyroid cancer, nonmedullary, 1. Review status: no classification provided. Collection method: in vitro. Allele origin: not applicable. Functional consequence: retained intron. Not counted in ClinVar's aggregate classification.

Literature cited by the submitters: PubMed 11243133 (cited by Labcorp Genetics (formerly Invitae), Labcorp); PubMed 11400791 (cited by Labcorp Genetics (formerly Invitae), Labcorp); PubMed 25775246 (cited by Labcorp Genetics (formerly Invitae), Labcorp); PubMed 15727905 (cited by Dunham Lab, University of Washington); PubMed 25536053 (cited by Dunham Lab, University of Washington); PubMed 16329560 (cited by Dunham Lab, University of Washington); PubMed 8471773 (cited by Dunham Lab, University of Washington and OMIM); PubMed 31863082 (cited by Dunham Lab, University of Washington); PubMed 30045279 (cited by Dunham Lab, University of Washington); PubMed 9589612 (cited by Dunham Lab, University of Washington); PubMed 16607506 (cited by Dunham Lab, University of Washington); PubMed 31489982 (cited by Dunham Lab, University of Washington); PubMed 30077011 (cited by Dunham Lab, University of Washington); PubMed 35840819 (cited by Dunham Lab, University of Washington).